The following is an entry in ClinVar:

ClinVar aggregate classification (germline): Likely benign. Review status: criteria provided, multiple submitters, no conflicts (2 of 4 stars). 4 submissions from 4 submitters: Likely benign (4). Last evaluated 2026-04-28.

Conditions:
Ehlers-Danlos syndrome, classic type, 1 (EDSCL1). Also called: Ehlers-Danlos syndrome, type 1; EHLERS-DANLOS SYNDROME, GRAVIS TYPE; EHLERS-DANLOS SYNDROME, SEVERE CLASSIC TYPE; Ehlers-Danlos Syndrome, Classic Type, COL5A1-Related; EDS I. Identifiers: MedGen C0268335, MONDO:0019567, OMIM 130000.

Allele frequency attached by ClinVar (database versions not stated): gnomAD exomes 0.00001; gnomAD 0.00002 and 0.00003; ESP Exome Variant Server 0.00008.
gnomAD v4.1: 22 of 1,251,648 alleles (0.0018%); highest among the groups gnomAD compares: Non-Finnish European, 0.0024%; no homozygotes.

Submissions (4):

Women's Health and Genetics/Laboratory Corporation of America, LabCorp
Classification: Likely benign. Last evaluated: 2026-04-28. Review status: criteria provided, single submitter. Criteria: LabCorp Variant Classification Summary - May 2015. Collection method: clinical testing. Allele origin: germline.

Labcorp Genetics (formerly Invitae), Labcorp
Classification: Likely benign for Ehlers-Danlos syndrome, classic type, 1. Last evaluated: 2025-12-20. Review status: criteria provided, single submitter. Criteria: Invitae Variant Classification Sherloc (09022015). Collection method: clinical testing. Allele origin: germline.

Blueprint Genetics
Classification: Likely benign. Last evaluated: 2023-04-10. Review status: criteria provided, single submitter. Criteria: ACMG Guidelines, 2015. Collection method: clinical testing. Allele origin: germline.

GeneDx
Classification: Likely benign. Last evaluated: 2016-03-10. Review status: criteria provided, single submitter. Criteria: GeneDx Variant Classification (06012015). Collection method: clinical testing. Allele origin: germline. Affected: yes.
Comment: This variant is considered likely benign or benign based on one or more of the following criteria: it is a conservative change, it occurs at a poorly conserved position in the protein, it is predicted to be benign by multiple in silico algorithms, and/or has population frequency not consistent with disease.

NM_000093.5(COL5A1):c.4608+19C>T

Genes: COL5A1 (collagen type V alpha 1 chain; plus strand), LOC101448202 (uncharacterized LOC101448202; minus strand). Cytogenetic location: 9q34.3.
Variant type: single nucleotide variant.
Coding change: c.4608+19C>T on transcript NM_000093.5 (MANE Select); 19 bases into the intron after coding-DNA position 4608, C replaced by T.
Molecular consequence: intron variant.
Genome position (GRCh38, 1-based): chr9:134,822,169, C>T. VCF-style: chr9-134822169-C-T. GRCh37 (hg19) VCF-style: chr9-137714015-C-T.
Other names: c.4608+19C>T (NM_001278074.1).
Identifiers: ClinVar variation 384660 (VCV000384660.8), dbSNP rs200797820, ClinGen allele CA16606370.